The following is an entry in ClinVar:

ClinVar aggregate classification (germline): Uncertain significance (1 of 4 stars; one submission).

Submission:

Labcorp Genetics (formerly Invitae), Labcorp
Classification: Uncertain significance. Last evaluated: 2023-08-09. Review status: criteria provided, single submitter. Criteria: Invitae Variant Classification Sherloc (09022015). Collection method: clinical testing. Allele origin: germline.
Comment: In summary, the available evidence is currently insufficient to determine the role of this variant in disease. Therefore, it has been classified as a Variant of Uncertain Significance. An algorithm developed to predict the effect of missense changes on protein structure and function (PolyPhen-2) suggests that this variant is likely to be tolerated. This variant has not been reported in the literature in individuals affected with MAPKAPK3-related conditions. This variant is not present in population databases (gnomAD no frequency). This sequence change replaces valine, which is neutral and non-polar, with isoleucine, which is neutral and non-polar, at codon 331 of the MAPKAPK3 protein (p.Val331Ile).

NM_001243925.2(MAPKAPK3):c.991G>A (p.Val331Ile)

Gene: MAPKAPK3 (MAPK activated protein kinase 3; plus strand). Cytogenetic location: 3p21.2.
Variant type: single nucleotide variant.
Coding change: c.991G>A on transcript NM_001243925.2 (MANE Select); coding-DNA position 991, G replaced by A.
Protein change: p.Val331Ile; replaces valine 331 with isoleucine.
Molecular consequence: missense variant.
Genome position (GRCh38, 1-based): chr3:50,647,198, G>A. VCF-style: chr3-50647198-G-A. GRCh37 (hg19) VCF-style: chr3-50684629-G-A.
Other names: c.991G>A, p.Val331Ile (NM_001243926.2, NM_004635.5); short protein forms V331I.
Identifiers: ClinVar variation 2751445 (VCV002751445.3), dbSNP rs2471709881, ClinGen allele CA352937806.